The following is an entry in ClinVar:

ClinVar aggregate classification (germline): Pathogenic (1 of 4 stars; one submission).

Conditions:
Multiple congenital exostosis (EXT). Also called: Hereditary multiple exostoses; Hereditary multiple exostosis; Hereditary multiple osteochondromas; MULTIPLE CARTILAGINOUS EXOSTOSES; Multiple exostoses; Multiple osteochondromas. Identifiers: Orphanet 321, MedGen C0015306, MONDO:0005508, HP:0002762.

Submission:

Labcorp Genetics (formerly Invitae), Labcorp
Classification: Pathogenic for Multiple congenital exostosis. Last evaluated: 2019-07-29. Review status: criteria provided, single submitter. Criteria: Invitae Variant Classification Sherloc (09022015). Collection method: clinical testing. Allele origin: germline.
Comment: This variant has been observed in individuals affected with multiple osteochondromas (PMID: 22913777, 30334991). This variant is also known as I8+2T>G in the literature. For these reasons, this variant has been classified as Pathogenic. Donor and acceptor splice site variants typically lead to a loss of protein function (PMID: 16199547), and loss-of-function variants in EXT1 are known to be pathogenic (PMID: 10679937, 11391482, 19810120). Algorithms developed to predict the effect of sequence changes on RNA splicing suggest that this variant may disrupt the consensus splice site, but this prediction has not been confirmed by published transcriptional studies. This variant is not present in population databases (ExAC no frequency). This sequence change affects a donor splice site in intron 8 of the EXT1 gene. It is expected to disrupt RNA splicing and likely results in an absent or disrupted protein product.

Literature cited by the submitters: PubMed 22913777; PubMed 30334991; PubMed 16199547; PubMed 10679937; PubMed 11391482; PubMed 19810120.

NM_000127.3(EXT1):c.1722+2T>G

Gene: EXT1 (exostosin glycosyltransferase 1; minus strand). Cytogenetic location: 8q24.11.
Variant type: single nucleotide variant.
Coding change: c.1722+2T>G on transcript NM_000127.3 (MANE Select); the canonical splice donor site of the intron after coding-DNA position 1722, T replaced by G.
Molecular consequence: splice donor variant.
Genome position (GRCh38, 1-based): chr8:117,812,870, A>C on the plus strand (T>G on the coding strand, the complement: EXT1 is on the minus strand). VCF-style: chr8-117812870-A-C. GRCh37 (hg19) VCF-style: chr8-118825109-A-C.
Identifiers: ClinVar variation 838369 (VCV000838369.10), dbSNP rs1823350795, ClinGen allele CA371880777.